The following is an entry in ClinVar:

ClinVar aggregate classification (germline): Conflicting classifications of pathogenicity. Review status: criteria provided, conflicting classifications (1 of 4 stars). 11 submissions from 11 submitters: Uncertain significance (5); Likely benign (5). 1 of the submissions does not count toward it. Last evaluated 2025-10-25.

Conditions:
Hereditary cancer-predisposing syndrome. Also called: Neoplastic Syndromes, Hereditary; Hereditary Cancer Syndrome; Hereditary neoplastic syndrome; Tumor predisposition. Identifiers: Orphanet 140162, MedGen C0027672, MeSH D009386, MONDO:0015356.
Breast neoplasm. Also called: Neoplasm of breast; Breast tumor; Breast Neoplasms; Neoplasm of the breast. Identifiers: MedGen C1458155, MeSH D001943, MONDO:0021100, HP:0100013. Disease mechanism: gain of function.
Hereditary breast ovarian cancer syndrome. Also called: Hereditary breast and ovarian cancer syndrome; Hereditary breast and/or ovarian cancer syndrome; BRCA1- and BRCA2-Associated Hereditary Breast and Ovarian Cancer; Hereditary breast and ovarian cancer; Breast and ovarian cancer; Hereditary breast and ovarian cancer syndrome (HBOC). Identifiers: Orphanet 145, MedGen C0677776, MeSH D061325, MONDO:0003582. Disease mechanism: loss of function.
Breast-ovarian cancer, familial, susceptibility to, 2 (BROVCA2). Also called: BRCA2 Hereditary Breast and Ovarian Cancer. Identifiers: Orphanet 145, MedGen C2675520, MONDO:0012933, OMIM 612555. Disease mechanism: loss of function.
Familial cancer of breast. Also called: Hereditary breast cancer; hereditary breast carcinoma; BREAST CANCER, FAMILIAL. Identifiers: Orphanet 227535, MedGen C0346153, MONDO:0016419, OMIM 114480. Disease mechanism: loss of function.

Allele frequency attached by ClinVar (database versions not stated): TOPMed below 0.00001; ExAC 0.00001; gnomAD 0.00001 and 0.00002; gnomAD exomes 0.00001; 1000 Genomes Project 30x 0.00016; 1000 Genomes Project 0.00020.
gnomAD v4.1: 15 of 1,613,476 alleles (0.00093%); highest among the groups gnomAD compares: East Asian, 0.013%; no homozygotes.

Submissions (11):

Labcorp Genetics (formerly Invitae), Labcorp
Classification: Likely benign for Hereditary breast ovarian cancer syndrome. Last evaluated: 2025-10-25. Review status: criteria provided, single submitter. Criteria: Invitae Variant Classification Sherloc (09022015). Collection method: clinical testing. Allele origin: germline.

MGZ Medical Genetics Center
Classification: Likely benign for Familial cancer of breast. Last evaluated: 2024-02-09. Review status: criteria provided, single submitter. Criteria: CSpec BRCA1/2ACMG Rules Specifications V1.1.0. Collection method: clinical testing. Allele origin: germline. Affected: yes.
Comment: ACMG codes applied following ENIGMA VCEP rules: BP1_STR

Quest Diagnostics Nichols Institute San Juan Capistrano
Classification: Uncertain significance. Last evaluated: 2024-02-06. Review status: criteria provided, single submitter. Criteria: Quest Diagnostics criteria. Collection method: clinical testing. Allele origin: unknown.
Comment: The BRCA2 c.5683G>A (p.Glu1895Lys) variant has been reported in the published literature in individuals with breast cancer (PMID: 21520273 (2022), 33471991 (2021), 31825140 (2019), 30702160 (2019), 30287823 (2018), 28664449 (2017), 28664449 (2016), 21520273 (2011), see also LOVD). This variant has also been identified in reportedly healthy individuals (PMID: 36243179 (2022), 33471991 (2021), 32467295 (2020), see also LOVD). In addition, this variant has been reported to be located in region of the BRCA2 gene that is tolerant to missense sequence changes (PMID: 31911673 (2020)). The frequency of this variant in the general population, 0.000011 (3/281866 chromosomes (Genome Aggregation Database)), is uninformative in the assessment of its pathogenicity. Analysis of this variant using bioinformatics tools for the prediction of the effect of amino acid changes on protein structure and function yielded conflicting predictions that this variant is benign or damaging. Based on the available information, we are unable to determine the clinical significance of this variant.

University of Washington Department of Laboratory Medicine, University of Washington
Classification: Likely benign for Hereditary cancer-predisposing syndrome. Last evaluated: 2023-03-23. Review status: criteria provided, single submitter. Criteria: Dines et al. (Genet Med. 2020). Collection method: curation. Allele origin: germline.
Comment: Missense variant in a coldspot region where missense variants are very unlikely to be pathogenic (PMID:31911673).

BRCA2 exon 11 coldspot. Reclassification based on statistical prior probability.

GeneDx
Classification: Uncertain significance. Last evaluated: 2022-12-28. Review status: criteria provided, single submitter. Criteria: GeneDx Variant Classification Process June 2021. Collection method: clinical testing. Allele origin: germline. Affected: yes.
Comment: Observed in individuals with breast cancer (Borg et al., 2010; Wong-Brown et al., 2015; Zhong et al., 2016; Li et al., 2017); In silico analysis, which includes protein predictors and evolutionary conservation, supports that this variant does not alter protein structure/function; Also known as 5911G>A; This variant is associated with the following publications: (PMID: 25682074, 27257965, 30702160, 20104584, 28664449, 29192238, 31825140, 32467295, 32377563, 31907386)

Women's Health and Genetics/Laboratory Corporation of America, LabCorp
Classification: Uncertain significance. Last evaluated: 2022-05-04. Review status: criteria provided, single submitter. Criteria: LabCorp Variant Classification Summary - May 2015. Collection method: clinical testing. Allele origin: germline.
Comment: Variant summary: BRCA2 c.5683G>A (p.Glu1895Lys) results in a conservative amino acid change in the encoded protein sequence. Five of five in-silico tools predict a benign effect of the variant on protein function. The variant allele was found at a frequency of 8e-06 in 250462 control chromosomes. The available data on variant occurrences in the general population are insufficient to allow any conclusion about variant significance. c.5683G>A has been reported in the literature in individuals affected with Breast Cancer (example, Borg_2010, Capanu_2011, Wong-Brown_2015, Dong_2021). These report(s) do not provide unequivocal conclusions about association of the variant with Hereditary Breast And Ovarian Cancer Syndrome. To our knowledge, no experimental evidence demonstrating an impact on protein function has been reported. Seven clinical diagnostic laboratories have submitted clinical-significance assessments for this variant to ClinVar after 2014 without evidence for independent evaluation. Multiple laboratories reported the variant with conflicting assessments (VUS, n=5, Likely Benign, n=2). Based on the evidence outlined above, the variant was classified as uncertain significance.

Foundation for Research in Genetics and Endocrinology, FRIGE's Institute of Human Genetics
Classification: Uncertain significance for Breast-ovarian cancer, familial, susceptibility to, 2. Last evaluated: 2019-10-24. Review status: criteria provided, single submitter. Criteria: ACMG Guidelines, 2015. Collection method: clinical testing. Allele origin: germline. Inheritance: Autosomal dominant inheritance. Affected: yes. Observed: 1 heterozygote.
Comment: A heterozygous missense variation in exon 11 of the BRCA2 gene that results in the amino acid substitution of Lysine for Glutamic Acid at codon 1895 was detected. The observed variation has previously been reported in patients affected with breast cancer (Borg et al 2010, Zhong et al 2016, Li et al 2017). The observed variant c.5683G>A (p.Glu1895Lys) has a minor allele frequency of 0.02% and 0.001% in the 1000 Genomes and ExAC databases respectively. The reference codon is conserved across primates. In summary, the variant meets our criteria to be classified as variant of unknown significance.

Ambry Genetics
Classification: Likely benign for Hereditary cancer-predisposing syndrome. Last evaluated: 2018-07-24. Review status: criteria provided, single submitter. Criteria: Ambry Variant Classification Scheme 2023. Collection method: clinical testing. Allele origin: germline.

Laboratory of Molecular Diagnosis of Cancer, West China Hospital, Sichuan University
Classification: Uncertain significance for Breast neoplasm. Last evaluated: 2015-11-01. Review status: criteria provided, single submitter. Criteria: ACMG Guidelines, 2015. Collection method: research. Allele origin: germline. Affected: yes. Observed: 1 variant allele.

Color Diagnostics, LLC DBA Color Health
Classification: Likely benign for Hereditary cancer-predisposing syndrome. Last evaluated: 2015-10-21. Review status: criteria provided, single submitter. Criteria: ACMG Guidelines, 2015. Collection method: clinical testing. Allele origin: germline.

Department of Pathology and Laboratory Medicine, Sinai Health System
Classification: Uncertain significance for Breast-ovarian cancer, familial, susceptibility to, 2. Review status: no assertion criteria provided. Collection method: clinical testing. Allele origin: unknown. Affected: yes. Observed: 1 variant allele. Study: The Canadian Open Genetics Repository (COGR). Not counted in ClinVar's aggregate classification.
Comment: The p.Glu1895Lys variant was identified in 1 of 4206 proband chromosomes (frequency: 0.0002) from individuals or families with breast cancer (Borg 2010). The variant was also identified in dbSNP (ID: rs146351301) â€šÃ„ÃºWith Uncertain significance, untested alleleâ€šÃ„Ã¹, Clinvitae database (classification uncertain significance), COSMIC (in a bladder carcinoma), the ClinVar database (classified as uncertain significance by Ambry Genetics), the BIC database (3x with unknown clinical importance), and UMD (1x with â€šÃ„Ãºunclassified variantâ€šÃ„Ã¹). This variant was identified in the 1000 Genomes Project in 1 of 5000 chromosomes (frequency: 0.0002), HAPMAP-EAS in 1 of 1008 chromosomes (frequency: 0.001), and the Exome Aggregation Consortium (ExAC) database (released Jan 13, 2015) in 1 of 11528 chromosomes (frequency: 0.00009) from a population of Latino individuals. The p.Glu1895 residue is not conserved in mammals and the variant amino acid Lys is present in rat, dog, cow, and opossum, increasing the likelihood that this variant does not have clinical significance; computational analyses (PolyPhen-2, SIFT, AlignGVGD, BLOSUM, MutationTaster) do not suggest a high likelihood of impact to the protein; however, this information is not predictive enough to rule out pathogenicity. In summary, based on the above information, the clinical significance of this variant cannot be determined with certainty at this time. This variant is classified as a variant of uncertain significance.

Literature cited by the submitters: PubMed 32467295 (cited by Quest Diagnostics Nichols Institute San Juan Capistrano and Women's Health and Genetics/Laboratory Corporation of America, LabCorp); PubMed 33471991 (cited by Quest Diagnostics Nichols Institute San Juan Capistrano); PubMed 36243179 (cited by Quest Diagnostics Nichols Institute San Juan Capistrano); PubMed 31911673 (cited by Quest Diagnostics Nichols Institute San Juan Capistrano); PubMed 21520273 (cited by Quest Diagnostics Nichols Institute San Juan Capistrano and Women's Health and Genetics/Laboratory Corporation of America, LabCorp); PubMed 16835750 (cited by Quest Diagnostics Nichols Institute San Juan Capistrano and Ambry Genetics); PubMed 30287823 (cited by Quest Diagnostics Nichols Institute San Juan Capistrano); PubMed 30702160 (cited by Quest Diagnostics Nichols Institute San Juan Capistrano); PubMed 31825140 (cited by Quest Diagnostics Nichols Institute San Juan Capistrano); PubMed 28664449 (cited by Quest Diagnostics Nichols Institute San Juan Capistrano); PubMed 25682074 (cited by Quest Diagnostics Nichols Institute San Juan Capistrano and Women's Health and Genetics/Laboratory Corporation of America, LabCorp); PubMed 20104584 (cited by 3 submitters); PubMed 27257965 (cited by Quest Diagnostics Nichols Institute San Juan Capistrano and Laboratory of Molecular Diagnosis of Cancer, West China Hospital, Sichuan University).

NM_000059.4(BRCA2):c.5683G>A (p.Glu1895Lys)

Gene: BRCA2 (BRCA2 DNA repair associated; plus strand). Cytogenetic location: 13q13.1.
Variant type: single nucleotide variant.
Coding change: c.5683G>A on transcript NM_000059.4 (MANE Select); coding-DNA position 5683, G replaced by A.
Protein change: p.Glu1895Lys; replaces glutamic acid 1895 with lysine.
Molecular consequence: missense variant.
Genome position (GRCh38, 1-based): chr13:32,340,038, G>A. VCF-style: chr13-32340038-G-A. GRCh37 (hg19) VCF-style: chr13-32914175-G-A.
Other names: short protein forms E1895K.
Identifiers: ClinVar variation 142307 (VCV000142307.27), dbSNP rs146351301, ClinGen allele CA022970.